The following is an entry in ClinVar:

NM_022168.4(IFIH1):c.769+4C>T

Gene: IFIH1 (interferon induced with helicase C domain 1; minus strand). Cytogenetic location: 2q24.2.
Variant type: single nucleotide variant.
Coding change: c.769+4C>T on transcript NM_022168.4 (MANE Select); 4 bases into the intron after coding-DNA position 769, C replaced by T.
Molecular consequence: intron variant.
Genome position (GRCh38, 1-based): chr2:162,306,705, G>A on the plus strand (C>T on the coding strand, the complement: IFIH1 is on the minus strand). VCF-style: chr2-162306705-G-A. GRCh37 (hg19) VCF-style: chr2-163163215-G-A.
Identifiers: ClinVar variation 1381252 (VCV001381252.6), dbSNP rs748285029, ClinGen allele CA1934720.

ClinVar aggregate classification (germline): Uncertain significance (1 of 4 stars; one submission).

Conditions:
Singleton-Merten syndrome 1 (SGMRT1). Also called: Widened medullary cavities of bone, aortic calcification, abnormal dentition, and muscular weakness; Syndrome of widened medullary cavities of the metacarpals and phalanges, aortic calcification and abnormal dentition. Identifiers: Orphanet 85191, MedGen C4225427, MONDO:0024535, OMIM 182250.
Aicardi-Goutieres syndrome 7 (AGS7). Identifiers: Orphanet 51, MedGen C3888244, MONDO:0014367, OMIM 615846.

Allele frequency attached by ClinVar (database versions not stated): ExAC 0.00001; gnomAD exomes 0.00001; TOPMed 0.00002; gnomAD 0.00004.
gnomAD v4.1: 9 of 1,613,032 alleles (0.00056%); highest among the groups gnomAD compares: African/African-American, 0.012%; no homozygotes.

Submission:

Labcorp Genetics (formerly Invitae), Labcorp
Classification: Uncertain significance for Aicardi-Goutieres syndrome 7; Singleton-Merten syndrome 1. Last evaluated: 2024-08-01. Review status: criteria provided, single submitter. Criteria: Invitae Variant Classification Sherloc (09022015). Collection method: clinical testing. Allele origin: germline.
Comment: This sequence change falls in intron 3 of the IFIH1 gene. It does not directly change the encoded amino acid sequence of the IFIH1 protein. It affects a nucleotide within the consensus splice site. This variant is present in population databases (rs748285029, gnomAD 0.01%). This variant has not been reported in the literature in individuals affected with IFIH1-related conditions. ClinVar contains an entry for this variant (Variation ID: 1381252). Variants that disrupt the consensus splice site are a relatively common cause of aberrant splicing (PMID: 17576681, 9536098). Algorithms developed to predict the effect of sequence changes on RNA splicing suggest that this variant is not likely to affect RNA splicing. In summary, the available evidence is currently insufficient to determine the role of this variant in disease. Therefore, it has been classified as a Variant of Uncertain Significance.

Literature cited by the submitters: PubMed 17576681; PubMed 9536098.